The following is an entry in ClinVar:

NM_000059.4(BRCA2):c.7196C>G (p.Thr2399Arg)

Gene: BRCA2 (BRCA2 DNA repair associated; plus strand). Cytogenetic location: 13q13.1.
Variant type: single nucleotide variant.
Coding change: c.7196C>G on transcript NM_000059.4 (MANE Select); coding-DNA position 7196, C replaced by G.
Protein change: p.Thr2399Arg; replaces threonine 2399 with arginine.
Molecular consequence: missense variant. On other transcripts: non-coding transcript variant (1).
Genome position (GRCh38, 1-based): chr13:32,355,049, C>G. VCF-style: chr13-32355049-C-G. GRCh37 (hg19) VCF-style: chr13-32929186-C-G.
Other names: c.7100C>G, p.Thr2367Arg (NM_001406719.1); c.7196C>G, p.Thr2399Arg (NM_001406720.1); c.2264C>G, p.Thr755Arg (NM_001406721.1); c.779C>G, p.Thr260Arg (NM_001406722.1); short protein forms T2399R, T2367R, T260R, T755R.
Identifiers: ClinVar variation 3261564 (VCV003261564.1).

ClinVar aggregate classification (germline): Uncertain significance (1 of 4 stars; one submission).

Conditions:
Hereditary cancer-predisposing syndrome. Also called: Hereditary Cancer Syndrome; Tumor predisposition; Hereditary neoplastic syndrome; Neoplastic Syndromes, Hereditary. Identifiers: Orphanet 140162, MedGen C0027672, MeSH D009386, MONDO:0015356.

Submission:

Ambry Genetics
Classification: Uncertain significance for Hereditary cancer-predisposing syndrome. Last evaluated: 2024-03-19. Review status: criteria provided, single submitter. Criteria: Ambry Variant Classification Scheme 2023. Collection method: clinical testing. Allele origin: germline.
Comment: The p.T2399R variant (also known as c.7196C>G), located in coding exon 13 of the BRCA2 gene, results from a C to G substitution at nucleotide position 7196. The threonine at codon 2399 is replaced by arginine, an amino acid with similar properties. This amino acid position is conserved. In addition, this alteration is predicted to be tolerated by in silico analysis. Based on the available evidence, the clinical significance of this alteration remains unclear.